The following is an entry in ClinVar:

NM_032608.7(MYO18B):c.3776-3T>C

Gene: MYO18B (myosin XVIIIB; plus strand). Cytogenetic location: 22q12.1.
Variant type: single nucleotide variant.
Coding change: c.3776-3T>C on transcript NM_032608.7 (MANE Select); 3 bases into the intron before coding-DNA position 3776, T replaced by C.
Molecular consequence: intron variant.
Genome position (GRCh38, 1-based): chr22:25,851,467, T>C. VCF-style: chr22-25851467-T-C. GRCh37 (hg19) VCF-style: chr22-26247434-T-C.
Other names: c.3779-3T>C (NM_001318245.2).
Identifiers: ClinVar variation 2985906 (VCV002985906.3), dbSNP rs1432923116, ClinGen allele CA638762457.

ClinVar aggregate classification (germline): Uncertain significance (1 of 4 stars; one submission).

Allele frequency attached by ClinVar (database versions not stated): gnomAD exomes below 0.00001.
gnomAD v4.1: 1 of 1,550,952 alleles (0.000064%); highest among the groups gnomAD compares: Non-Finnish European, 0.000087%; no homozygotes.

Submission:

Labcorp Genetics (formerly Invitae), Labcorp
Classification: Uncertain significance. Last evaluated: 2023-10-27. Review status: criteria provided, single submitter. Criteria: Invitae Variant Classification Sherloc (09022015). Collection method: clinical testing. Allele origin: germline.
Comment: This sequence change falls in intron 20 of the MYO18B gene. It does not directly change the encoded amino acid sequence of the MYO18B protein. It affects a nucleotide within the consensus splice site. This variant is not present in population databases (gnomAD no frequency). This variant has not been reported in the literature in individuals affected with MYO18B-related conditions. Variants that disrupt the consensus splice site are a relatively common cause of aberrant splicing (PMID: 17576681, 9536098). Algorithms developed to predict the effect of sequence changes on RNA splicing suggest that this variant is not likely to affect RNA splicing. In summary, the available evidence is currently insufficient to determine the role of this variant in disease. Therefore, it has been classified as a Variant of Uncertain Significance.

Literature cited by the submitters: PubMed 17576681; PubMed 9536098.